The following is an entry in ClinVar:

NM_001079668.3(NKX2-1):c.43_64dup (p.Pro22fs)

Genes: NKX2-1-AS1 (NKX2-1 antisense RNA 1; plus strand), NKX2-1 (NK2 homeobox 1; minus strand). Cytogenetic location: 14q13.3.
Variant type: Duplication.
Coding change: c.43_64dup on transcript NM_001079668.3 (MANE Select); coding-DNA positions 43 to 64, 22 bases duplicated (GCGGCGGGAGGGAGGAGCAGCC).
Protein change: p.Pro22fs; shifts the reading frame from proline 22.
Molecular consequence: frameshift variant.
Genome position (GRCh38, 1-based): chr14:36,520,066-36,520,087, GGCTGCTCCTCCCTCCCGCCGC duplicated on the plus strand (GCGGCGGGAGGGAGGAGCAGCC on the coding strand, the reverse complement: NKX2-1 is on the minus strand); duplicating any 22 consecutive bases within chr14:36,520,066-36,520,090 gives the same sequence; the c. name uses the placement nearest the transcript's 3' end. VCF-style (leftmost placement, unchanged base first): chr14-36520065-G-GGGCTGCTCCTCCCTCCCGCCGC. GRCh37 (hg19) VCF-style: chr14-36989270-G-GGGCTGCTCCTCCCTCCCGCCGC.
Other names: c.43_64dup22 (NM_001079668.3); short protein forms P22fs.
Identifiers: ClinVar variation 3339885 (VCV003339885.1).

ClinVar aggregate classification (germline): Pathogenic (1 of 4 stars; one submission).

Conditions:
Benign hereditary chorea (BHC). Also called: HEREDITARY PROGRESSIVE CHOREA WITHOUT DEMENTIA; Benign Hereditary Chorea (BHC). Identifiers: Orphanet 1429, MedGen C0393584, MONDO:0021011, OMIM 118700.

Submission:

Women's Health and Genetics/Laboratory Corporation of America, LabCorp
Classification: Pathogenic for Benign hereditary chorea. Last evaluated: 2024-06-21. Review status: criteria provided, single submitter. Criteria: LabCorp Variant Classification Summary - May 2015. Collection method: clinical testing. Allele origin: germline.
Comment: Variant summary: NKX2-1 c.43_64dup22 (p.Pro22ArgfsX31) results in a premature termination codon, predicted to cause a truncation of the encoded protein or absence of the protein due to nonsense mediated decay, which are commonly known mechanisms for disease. The variant was absent in 239050 control chromosomes. To our knowledge, no occurrence of c.43_64dup22 in individuals affected with &phenotype& and no experimental evidence demonstrating its impact on protein function have been reported. No submitters have cited clinical-significance assessments for this variant to ClinVar. Based on the evidence outlined above, the variant was classified as pathogenic.